The following is an entry in ClinVar:

ClinVar aggregate classification (germline): Pathogenic. Review status: criteria provided, multiple submitters, no conflicts (2 of 4 stars). 2 submissions from 2 submitters: Pathogenic (2). Last evaluated 2024-10-19.

Conditions:
Coffin-Siris syndrome 1 (CSS1). Also called: Mental retardation, autosomal dominant 12; ARID1B-Related Coffin-Siris Syndrome. Identifiers: Orphanet 1465, MedGen C3281201, MONDO:0007617, OMIM 135900. Disease mechanism: gain of function.

Submissions (2):

GeneDx
Classification: Pathogenic. Last evaluated: 2024-10-19. Review status: criteria provided, single submitter. Criteria: GeneDx Variant Classification Process June 2021. Collection method: clinical testing. Allele origin: germline. Affected: yes.
Comment: Nonsense variant predicted to result in protein truncation, as the last 79 amino acid(s) are lost, and other loss-of-function variants have been reported downstream in HGMD; Not observed at significant frequency in large population cohorts (gnomAD); This variant is associated with the following publications: (PMID: 33057194, 35982159, 37500730, 30349098, 27479843)

Institute of Human Genetics, FAU Erlangen, Friedrich-Alexander-Universität Erlangen-Nürnberg
Classification: Pathogenic for Coffin-Siris syndrome 1. Last evaluated: 2024-03-13. Review status: criteria provided, single submitter. Criteria: Hauer et al. (Genet Med. 2018). Collection method: clinical testing. Allele origin: germline. Inheritance: Autosomal dominant inheritance. Affected: yes. Observed: 1 variant allele.
Comment: This variant has been identified by standard clinical testing. Selected ACMG criteria: Pathogenic (I):PM2;PS2;PVS1

NM_001374828.1(ARID1B):c.6880C>T (p.Gln2294Ter)

Gene: ARID1B (AT-rich interaction domain 1B; plus strand). Cytogenetic location: 6q25.3.
Variant type: single nucleotide variant.
Coding change: c.6880C>T on transcript NM_001374828.1 (MANE Select); coding-DNA position 6880, C replaced by T.
Protein change: p.Gln2294Ter; replaces glutamine 2294 with a stop codon.
Molecular consequence: nonsense.
Genome position (GRCh38, 1-based): chr6:157,207,652, C>T. VCF-style: chr6-157207652-C-T. GRCh37 (hg19) VCF-style: chr6-157528786-C-T.
Other names: c.6631C>T, p.Gln2211Ter (NM_001346813.1); c.4381C>T, p.Gln1461Ter (NM_001363725.2); c.6760C>T, p.Gln2254Ter (NM_001371656.1, NM_001374820.1); c.6721C>T, p.Gln2241Ter (NM_017519.3); c.6511C>T, p.Gln2171Ter (NM_020732.3); c.6298C>T, p.Gln2100Ter (NM_175863.2); short protein forms Q1461*, Q2100*, Q2171*, Q2211*, Q2241*, Q2254*, Q2294*.
Identifiers: ClinVar variation 3061799 (VCV003061799.2), dbSNP rs1554238124, ClinGen allele CA366249263.